The following is an entry in ClinVar:

ClinVar aggregate classification (germline): Uncertain significance (1 of 4 stars; one submission).

Conditions:
Ellis-van Creveld syndrome (EVC). Also called: EVC-Related Ellis-van Creveld Syndrome; EVC2-Related Ellis-van Creveld Syndrome; Chondroectodermal dysplasia; MESOECTODERMAL DYSPLASIA. Identifiers: Orphanet 289, MedGen C0013903, MONDO:0009162, OMIM 225500.
Curry-Hall syndrome (WAD). Also called: WEYERS ACRODENTAL DYSOSTOSIS. Identifiers: Orphanet 952, MedGen C0457013, MONDO:0008673, OMIM 193530.

Allele frequency attached by ClinVar (database versions not stated): gnomAD exomes below 0.00001.
gnomAD v4.1: 6 of 1,585,938 alleles (0.00038%); highest among the groups gnomAD compares: African/African-American, 0.0013%; no homozygotes.

Submission:

Labcorp Genetics (formerly Invitae), Labcorp
Classification: Uncertain significance for Curry-Hall syndrome; Ellis-van Creveld syndrome. Last evaluated: 2022-09-23. Review status: criteria provided, single submitter. Criteria: Invitae Variant Classification Sherloc (09022015). Collection method: clinical testing. Allele origin: germline.
Comment: This sequence change replaces histidine, which is basic and polar, with arginine, which is basic and polar, at codon 1169 of the EVC2 protein (p.His1169Arg). This variant is not present in population databases (gnomAD no frequency). This variant has not been reported in the literature in individuals affected with EVC2-related conditions. Algorithms developed to predict the effect of missense changes on protein structure and function (SIFT, PolyPhen-2, Align-GVGD) all suggest that this variant is likely to be tolerated. In summary, the available evidence is currently insufficient to determine the role of this variant in disease. Therefore, it has been classified as a Variant of Uncertain Significance.

NM_147127.5(EVC2):c.3506A>G (p.His1169Arg)

Gene: EVC2 (EvC ciliary complex subunit 2; minus strand). Cytogenetic location: 4p16.2.
Variant type: single nucleotide variant.
Coding change: c.3506A>G on transcript NM_147127.5 (MANE Select); coding-DNA position 3506, A replaced by G.
Protein change: p.His1169Arg; replaces histidine 1169 with arginine.
Molecular consequence: missense variant.
Genome position (GRCh38, 1-based): chr4:5,568,495, T>C on the plus strand (A>G on the coding strand, the complement: EVC2 is on the minus strand). VCF-style: chr4-5568495-T-C. GRCh37 (hg19) VCF-style: chr4-5570222-T-C.
Other names: c.3266A>G, p.His1089Arg (NM_001166136.2); short protein forms H1089R, H1169R.
Identifiers: ClinVar variation 2162300 (VCV002162300.4), dbSNP rs1398941377, ClinGen allele CA356149213.